The following is an entry in ClinVar:

NM_000183.3(HADHB):c.863A>G (p.Gln288Arg)

Gene: HADHB (hydroxyacyl-CoA dehydrogenase trifunctional multienzyme complex subunit beta; plus strand). Cytogenetic location: 2p23.3.
Variant type: single nucleotide variant.
Coding change: c.863A>G on transcript NM_000183.3 (MANE Select); coding-DNA position 863, A replaced by G.
Protein change: p.Gln288Arg; replaces glutamine 288 with arginine.
Molecular consequence: missense variant.
Genome position (GRCh38, 1-based): chr2:26,280,045, A>G. VCF-style: chr2-26280045-A-G. GRCh37 (hg19) VCF-style: chr2-26502913-A-G.
Other names: c.863A>G (NM_000183.2); c.818A>G, p.Gln273Arg (NM_001281512.2); c.797A>G, p.Gln266Arg (NM_001281513.2); short protein forms Q266R, Q273R, Q288R.
Identifiers: ClinVar variation 2420826 (VCV002420826.11), dbSNP rs756159407, ClinGen allele CA1560359.

ClinVar aggregate classification (germline): Uncertain significance. Review status: criteria provided, multiple submitters, no conflicts (2 of 4 stars). 2 submissions from 2 submitters: Uncertain significance (2). Last evaluated 2024-10-12.

Conditions:
Inborn genetic diseases. Identifiers: MedGen C0950123, MeSH D030342.
Mitochondrial trifunctional protein deficiency. Identifiers: Orphanet 746, MedGen C1969443, MONDO:0012172.

Allele frequency attached by ClinVar (database versions not stated): TOPMed below 0.00001; gnomAD exomes 0.00001; ExAC 0.00002.
gnomAD v4.1: 11 of 1,609,610 alleles (0.00068%); highest among the groups gnomAD compares: Admixed American, 0.018%; no homozygotes.

Submissions (2):

Labcorp Genetics (formerly Invitae), Labcorp
Classification: Uncertain significance for Mitochondrial trifunctional protein deficiency. Last evaluated: 2024-10-12. Review status: criteria provided, single submitter. Criteria: Invitae Variant Classification Sherloc (09022015). Collection method: clinical testing. Allele origin: germline.
Comment: This sequence change replaces glutamine, which is neutral and polar, with arginine, which is basic and polar, at codon 288 of the HADHB protein (p.Gln288Arg). This variant is present in population databases (rs756159407, gnomAD 0.03%). This variant has not been reported in the literature in individuals affected with HADHB-related conditions. ClinVar contains an entry for this variant (Variation ID: 2420826). Invitae Evidence Modeling of protein sequence and biophysical properties (such as structural, functional, and spatial information, amino acid conservation, physicochemical variation, residue mobility, and thermodynamic stability) indicates that this missense variant is not expected to disrupt HADHB protein function with a negative predictive value of 80%. In summary, the available evidence is currently insufficient to determine the role of this variant in disease. Therefore, it has been classified as a Variant of Uncertain Significance.

Ambry Genetics
Classification: Uncertain significance for Inborn genetic diseases. Last evaluated: 2024-01-08. Review status: criteria provided, single submitter. Criteria: Ambry Variant Classification Scheme 2023. Collection method: clinical testing. Allele origin: germline.